The following is an entry in ClinVar:

NM_014425.5(INVS):c.1117G>A (p.Val373Met)

Gene: INVS (inversin; plus strand). Cytogenetic location: 9q31.1.
Variant type: single nucleotide variant.
Coding change: c.1117G>A on transcript NM_014425.5 (MANE Select); coding-DNA position 1117, G replaced by A.
Protein change: p.Val373Met; replaces valine 373 with methionine.
Molecular consequence: missense variant. On other transcripts: non-coding transcript variant (1).
Genome position (GRCh38, 1-based): chr9:100,252,321, G>A. VCF-style: chr9-100252321-G-A. GRCh37 (hg19) VCF-style: chr9-103014603-G-A.
Other names: c.1117G>A (NM_014425.4, NM_014425.2); c.829G>A, p.Val277Met (NM_001318381.2); c.139G>A, p.Val47Met (NM_001318382.2); short protein forms V373M, V277M, V47M.
Identifiers: ClinVar variation 962707 (VCV000962707.9), dbSNP rs759162487, ClinGen allele CA5158334.
Genomic context (GRCh38, chr9:100,252,321, plus strand): 5'-CTTTCTGTTGGTTCCCTTTTAGCTTTGCATGCTGCTGCTCTTTCTGGCCATGTCAGCACC[G>A]TGAAGTTATTACTGGAAAATAATGCTCAAGTAGATGCTACTGATGTTATGAAACATACTC-3'
Protein context (NP_055240.2, residues 363-383): AAALSGHVST[Val373Met]KLLLENNAQV

ClinVar aggregate classification (germline): Uncertain significance. Review status: criteria provided, multiple submitters, no conflicts (2 of 4 stars). 4 submissions from 4 submitters: Uncertain significance (4). Last evaluated 2025-08-08.

Conditions:
Nephronophthisis. Also called: Juvenile Nephronophthisis. Identifiers: Orphanet 655, MedGen C0687120, MONDO:0019005, HP:0000090.
Infantile nephronophthisis (NPHP2). Also called: Nephronophthisis 2; Nephronophthisis 2, infantile. Identifiers: MedGen C1865872, MONDO:0011190, OMIM 602088, Orphanet 655, Orphanet 93591.
INVS-related disorder. Also called: INVS-related condition.
Inborn genetic diseases. Identifiers: MedGen C0950123, MeSH D030342.

Allele frequency attached by ClinVar (database versions not stated): gnomAD 0.00003 and 0.00004; gnomAD exomes 0.00003; TOPMed 0.00003; ExAC 0.00004.
gnomAD v4.1: 97 of 1,613,870 alleles (0.006%); highest among the groups gnomAD compares: Admixed American, 0.015%; no homozygotes.

Submissions (4):

PreventionGenetics, part of Exact Sciences
Classification: Uncertain significance for INVS-related condition. Last evaluated: 2025-08-08. Review status: criteria provided, single submitter. Criteria: ACMG Guidelines, 2015. Collection method: clinical testing. Allele origin: germline.
Comment: The INVS c.1117G>A variant is predicted to result in the amino acid substitution p.Val373Met. To our knowledge, this variant has not been reported in the literature. This variant is reported in 0.017% of alleles in individuals of Latino descent in gnomAD. At this time, the clinical significance of this variant is uncertain due to the absence of conclusive functional and genetic evidence.

Ambry Genetics
Classification: Uncertain significance for Inborn genetic diseases. Last evaluated: 2024-09-30. Review status: criteria provided, single submitter. Criteria: Ambry Variant Classification Scheme 2023. Collection method: clinical testing. Allele origin: germline.

Labcorp Genetics (formerly Invitae), Labcorp
Classification: Uncertain significance for Nephronophthisis. Last evaluated: 2023-12-04. Review status: criteria provided, single submitter. Criteria: Invitae Variant Classification Sherloc (09022015). Collection method: clinical testing. Allele origin: germline.
Comment: This sequence change replaces valine, which is neutral and non-polar, with methionine, which is neutral and non-polar, at codon 373 of the INVS protein (p.Val373Met). This variant is present in population databases (rs759162487, gnomAD 0.02%). This variant has not been reported in the literature in individuals affected with INVS-related conditions. ClinVar contains an entry for this variant (Variation ID: 962707). An algorithm developed to predict the effect of missense changes on protein structure and function (PolyPhen-2) suggests that this variant is likely to be disruptive. In summary, the available evidence is currently insufficient to determine the role of this variant in disease. Therefore, it has been classified as a Variant of Uncertain Significance.

Fulgent Genetics
Classification: Uncertain significance for Infantile nephronophthisis. Last evaluated: 2021-12-20. Review status: criteria provided, single submitter. Criteria: ACMG Guidelines, 2015. Collection method: clinical testing. Allele origin: unknown.